The following is an entry in ClinVar:

ClinVar aggregate classification (germline): Uncertain significance (1 of 4 stars; one submission).

Conditions:
FADD-related immunodeficiency. Also called: Infections, recurrent, with encephalopathy, hepatic dysfunction, and cardiovascular malformations; FADD DEFICIENCY. Identifiers: Orphanet 306550, MedGen C3151062, MONDO:0013408, OMIM 613759.

Submission:

Labcorp Genetics (formerly Invitae), Labcorp
Classification: Uncertain significance for FADD-related immunodeficiency. Last evaluated: 2021-09-07. Review status: criteria provided, single submitter. Criteria: Invitae Variant Classification Sherloc (09022015). Collection method: clinical testing. Allele origin: germline.
Comment: This sequence change replaces lysine with asparagine at codon 110 of the FADD protein (p.Lys110Asn). The lysine residue is moderately conserved and there is a moderate physicochemical difference between lysine and asparagine. This variant is not present in population databases (ExAC no frequency). This variant has not been reported in the literature in individuals affected with FADD-related conditions. Algorithms developed to predict the effect of missense changes on protein structure and function are either unavailable or do not agree on the potential impact of this missense change (SIFT: "Deleterious"; PolyPhen-2: "Possibly Damaging"; Align-GVGD: "Class C0"). In summary, the available evidence is currently insufficient to determine the role of this variant in disease. Therefore, it has been classified as a Variant of Uncertain Significance.

NM_003824.4(FADD):c.330A>C (p.Lys110Asn)

Gene: FADD (Fas associated via death domain; plus strand). Cytogenetic location: 11q13.3.
Variant type: single nucleotide variant.
Coding change: c.330A>C on transcript NM_003824.4 (MANE Select); coding-DNA position 330, A replaced by C.
Protein change: p.Lys110Asn; replaces lysine 110 with asparagine.
Molecular consequence: missense variant.
Genome position (GRCh38, 1-based): chr11:70,206,176, A>C. VCF-style: chr11-70206176-A-C. GRCh37 (hg19) VCF-style: chr11-70052282-A-C.
Other names: short protein forms K110N.
Identifiers: ClinVar variation 1380073 (VCV001380073.6), dbSNP rs2135899832, ClinGen allele CA381665961.